The following is an entry in ClinVar:

NM_015046.7(SETX):c.2057G>T (p.Gly686Val)

Gene: SETX (senataxin; minus strand). Cytogenetic location: 9q34.13.
Variant type: single nucleotide variant.
Coding change: c.2057G>T on transcript NM_015046.7 (MANE Select); coding-DNA position 2057, G replaced by T.
Protein change: p.Gly686Val; replaces glycine 686 with valine.
Molecular consequence: missense variant.
Genome position (GRCh38, 1-based): chr9:132,329,541, C>A on the plus strand (G>T on the coding strand, the complement: SETX is on the minus strand). VCF-style: chr9-132329541-C-A. GRCh37 (hg19) VCF-style: chr9-135204928-C-A.
Other names: c.2057G>T, p.Gly686Val (NM_001351527.2, NM_001351528.2); short protein forms G686V.
Identifiers: ClinVar variation 1931599 (VCV001931599.5), dbSNP rs750853194, ClinGen allele CA375337071.

ClinVar aggregate classification (germline): Uncertain significance (1 of 4 stars; one submission).

Conditions:
Amyotrophic lateral sclerosis type 4 (ALS4). Also called: AMYOTROPHIC LATERAL SCLEROSIS 4, JUVENILE; NEURONOPATHY, DISTAL HEREDITARY MOTOR, WITH PYRAMIDAL FEATURES. Identifiers: Orphanet 357043, MedGen C1865409, MONDO:0011223, OMIM 602433.
Spinocerebellar ataxia, autosomal recessive, with axonal neuropathy 2 (SCAN2). Also called: ATAXIA-OCULOMOTOR APRAXIA 2; Ataxia-ocular apraxia-2; Ataxia with Oculomotor Apraxia; Ataxia with Oculomotor Apraxia Type 2. Identifiers: Orphanet 64753, MedGen C1853761, MONDO:0018996, OMIM 606002.

Submission:

Labcorp Genetics (formerly Invitae), Labcorp
Classification: Uncertain significance for Amyotrophic lateral sclerosis type 4; Spinocerebellar ataxia, autosomal recessive, with axonal neuropathy 2. Last evaluated: 2022-03-18. Review status: criteria provided, single submitter. Criteria: Invitae Variant Classification Sherloc (09022015). Collection method: clinical testing. Allele origin: germline.
Comment: This sequence change replaces glycine, which is neutral and non-polar, with valine, which is neutral and non-polar, at codon 686 of the SETX protein (p.Gly686Val). This variant is not present in population databases (gnomAD no frequency). This variant has not been reported in the literature in individuals affected with SETX-related conditions. Advanced modeling of protein sequence and biophysical properties (such as structural, functional, and spatial information, amino acid conservation, physicochemical variation, residue mobility, and thermodynamic stability) performed at Invitae indicates that this missense variant is not expected to disrupt SETX protein function. In summary, the available evidence is currently insufficient to determine the role of this variant in disease. Therefore, it has been classified as a Variant of Uncertain Significance.